The following is an entry in ClinVar:

NM_001167676.2(FAM229A):c.63A>C (p.Gly21=)

Genes: FAM229A (family with sequence similarity 229 member A; minus strand), LOC129930041 (ATAC-STARR-seq lymphoblastoid silent region 597; plus strand). Cytogenetic location: 1p35.1.
Variant type: single nucleotide variant.
Coding change: c.63A>C on transcript NM_001167676.2 (MANE Select); coding-DNA position 63, A replaced by C.
Protein change: p.Gly21=; no amino-acid change (glycine 21 retained).
Molecular consequence: synonymous variant.
Genome position (GRCh38, 1-based): chr1:32,362,029, T>G on the plus strand (A>C on the coding strand, the complement: FAM229A is on the minus strand). VCF-style: chr1-32362029-T-G. GRCh37 (hg19) VCF-style: chr1-32827630-T-G.
Identifiers: ClinVar variation 2638609 (VCV002638609.24), dbSNP rs897851521, ClinGen allele CA20244635.

ClinVar aggregate classification (germline): Likely benign (1 of 4 stars; one submission).

Allele frequency attached by ClinVar (database versions not stated): gnomAD 0.00006; TOPMed 0.00006; gnomAD exomes 0.00010.
gnomAD v4.1: 139 of 1,481,984 alleles (0.0094%); highest among the groups gnomAD compares: Middle Eastern, 0.046%; no homozygotes.

Submission:

CeGaT Center for Human Genetics Tuebingen
Classification: Likely benign. Last evaluated: 2022-10-01. Review status: criteria provided, single submitter. Criteria: CeGaT Center For Human Genetics Tuebingen Variant Classification Criteria Version 2. Collection method: clinical testing. Allele origin: germline. Affected: yes. Observed: 1 variant allele.
Comment: FAM229A: BP4, BP7